The following is an entry in ClinVar:

ClinVar aggregate classification (germline): Uncertain significance (1 of 4 stars; one submission).

Allele frequency attached by ClinVar (database versions not stated): TOPMed below 0.00001.

Submission:

Labcorp Genetics (formerly Invitae), Labcorp
Classification: Uncertain significance. Last evaluated: 2022-09-03. Review status: criteria provided, single submitter. Criteria: Invitae Variant Classification Sherloc (09022015). Collection method: clinical testing. Allele origin: germline.
Comment: In summary, the available evidence is currently insufficient to determine the role of this variant in disease. Therefore, it has been classified as a Variant of Uncertain Significance. Algorithms developed to predict the effect of missense changes on protein structure and function output the following: SIFT: "Tolerated"; PolyPhen-2: "Probably Damaging"; Align-GVGD: "Class C0". The leucine amino acid residue is found in multiple mammalian species, which suggests that this missense change does not adversely affect protein function. This variant has not been reported in the literature in individuals affected with NAF1-related conditions. This variant is not present in population databases (gnomAD no frequency). This sequence change replaces proline, which is neutral and non-polar, with leucine, which is neutral and non-polar, at codon 83 of the NAF1 protein (p.Pro83Leu).

NM_138386.3(NAF1):c.248C>T (p.Pro83Leu)

Gene: NAF1 (nuclear assembly factor 1 ribonucleoprotein; minus strand). Cytogenetic location: 4q32.2.
Variant type: single nucleotide variant.
Coding change: c.248C>T on transcript NM_138386.3 (MANE Select); coding-DNA position 248, C replaced by T.
Protein change: p.Pro83Leu; replaces proline 83 with leucine.
Molecular consequence: missense variant.
Genome position (GRCh38, 1-based): chr4:163,166,480, G>A on the plus strand (C>T on the coding strand, the complement: NAF1 is on the minus strand). VCF-style: chr4-163166480-G-A. GRCh37 (hg19) VCF-style: chr4-164087632-G-A.
Other names: c.248C>T, p.Pro83Leu (NM_001128931.2); short protein forms P83L.
Identifiers: ClinVar variation 2028744 (VCV002028744.4), dbSNP rs1464484436, ClinGen allele CA358661667.